The following is an entry in ClinVar:

NM_014753.4(BMS1):c.3324G>A (p.Ala1108=)

Gene: BMS1 (BMS1 ribosome biogenesis factor; plus strand). Cytogenetic location: 10q11.21.
Variant type: single nucleotide variant.
Coding change: c.3324G>A on transcript NM_014753.4 (MANE Select); coding-DNA position 3324, G replaced by A.
Protein change: p.Ala1108=; no amino-acid change (alanine 1108 retained).
Molecular consequence: synonymous variant.
Genome position (GRCh38, 1-based): chr10:42,823,652, G>A. VCF-style: chr10-42823652-G-A. GRCh37 (hg19) VCF-style: chr10-43319100-G-A.
Identifiers: ClinVar variation 779113 (VCV000779113.6), dbSNP rs112721376, ClinGen allele CA5476316.

ClinVar aggregate classification (germline): Benign. Review status: criteria provided, single submitter (1 of 4 stars). 2 submissions from 2 submitters: Benign (1). 1 of the submissions does not count toward it. Last evaluated 2019-12-31.

Conditions:
BMS1-related disorder. Also called: BMS1-related condition.

Allele frequency attached by ClinVar (database versions not stated): gnomAD exomes 0.00063; ExAC 0.00193; gnomAD 0.00585 and 0.00617; ESP Exome Variant Server 0.00696; TOPMed 0.00701; 1000 Genomes Project 0.00819; 1000 Genomes Project 30x 0.00874.

Submissions (2):

Labcorp Genetics (formerly Invitae), Labcorp
Classification: Benign. Last evaluated: 2019-12-31. Review status: criteria provided, single submitter. Criteria: Invitae Variant Classification Sherloc (09022015). Collection method: clinical testing. Allele origin: germline.

PreventionGenetics, part of Exact Sciences
Classification: Benign for BMS1-related condition. Last evaluated: 2020-01-28. Review status: no assertion criteria provided. Collection method: clinical testing. Allele origin: germline. Not counted in ClinVar's aggregate classification.
Comment: This variant is classified as benign based on ACMG/AMP sequence variant interpretation guidelines (Richards et al. 2015 PMID: 25741868, with internal and published modifications).